The following is an entry in ClinVar:

NM_001042492.3(NF1):c.609_610del (p.Leu204fs)

Gene: NF1 (neurofibromin 1; plus strand). Cytogenetic location: 17q11.2.
Variant type: Deletion.
Coding change: c.609_610del on transcript NM_001042492.3 (MANE Select); coding-DNA positions 609 to 610, 2 bases deleted (CC; older notation c.609_610delCC).
Protein change: p.Leu204fs; shifts the reading frame from leucine 204.
Molecular consequence: frameshift variant.
Genome position (GRCh38, 1-based): chr17:31,181,444-31,181,445, CC deleted; deleting any 2 consecutive bases within chr17:31,181,443-31,181,445 gives the same sequence; the c. name uses the placement nearest the transcript's 3' end. VCF-style (leftmost placement, unchanged base first): chr17-31181442-GCC-G. GRCh37 (hg19) VCF-style: chr17-29508460-GCC-G.
Other names: c.609_610del, p.Leu204fs (NM_000267.4, NM_001128147.3); short protein forms L204fs.
Identifiers: ClinVar variation 4854475 (VCV004854475.1).
Genomic context (GRCh38, chr17:31,181,442, plus strand): 5'-TTATTCTAGAGTTAATTTTTAAAAATTGTGTTTTTTCCAGAAACAGCATTTAAATTTAAA[GCC>G]CTAAAGAAGGTTGCGCAGTTAGCAGTTATAAATAGCCTGGAAAAGGTAAGTTACAACCTC-3'

ClinVar aggregate classification (germline): Likely pathogenic (1 of 4 stars; one submission).

Conditions:
Neurofibromatosis, type 1 (NF1). Also called: NEUROFIBROMATOSIS, TYPE I, SOMATIC; VON RECKLINGHAUSEN DISEASE; Neurofibromatosis, type I; Peripheral type neurofibromatosis. Identifiers: Orphanet 636, MedGen C0027831, MONDO:0018975, OMIM 162200. Disease mechanism: loss of function.

Submission:

3billion
Classification: Likely pathogenic for Neurofibromatosis, type 1. Last evaluated: 2025-11-17. Review status: criteria provided, single submitter. Criteria: ACMG Guidelines, 2015. Collection method: clinical testing. Allele origin: germline. Affected: yes.
Comment: The variant is not observed in the gnomAD v4.1.0 dataset. Predicted Consequence/Location: Frameshift: predicted to result in a loss or disruption of normal protein function through nonsense-mediated decay (NMD) or protein truncation. Multiple pathogenic variants are reported downstream of the variant. Therefore, this variant is classified as Likely pathogenic according to the recommendation of ACMG/AMP guideline.